The following is an entry in ClinVar:

ClinVar aggregate classification (germline): Uncertain significance (1 of 4 stars; one submission).

Conditions:
Leigh syndrome (NULS). Also called: Leigh's syndrome; Subacute necrotizing encephalopathy; Necrotizing encephalopathy infantile subacute of Leigh; LEIGH SYNDROME, NUCLEAR; Leigh's necrotizing encephalopathy; Leigh's disease. Identifiers: Orphanet 506, MedGen C2931891, MONDO:0009723, OMIM 256000.

Allele frequency attached by ClinVar (database versions not stated): TOPMed below 0.00001; gnomAD 0.00001; gnomAD exomes 0.00001; 1000 Genomes Project 30x 0.00016.
gnomAD v4.1: 22 of 1,613,808 alleles (0.0014%); highest among the groups gnomAD compares: South Asian, 0.024%; no homozygotes.

Submission:

Labcorp Genetics (formerly Invitae), Labcorp
Classification: Uncertain significance for Leigh syndrome. Last evaluated: 2022-06-08. Review status: criteria provided, single submitter. Criteria: Invitae Variant Classification Sherloc (09022015). Collection method: clinical testing. Allele origin: germline.
Comment: This sequence change replaces aspartic acid, which is acidic and polar, with glutamic acid, which is acidic and polar, at codon 170 of the SURF1 protein (p.Asp170Glu). This variant is present in population databases (rs587683200, gnomAD 0.04%). This variant has not been reported in the literature in individuals affected with SURF1-related conditions. Algorithms developed to predict the effect of missense changes on protein structure and function output the following: SIFT: "Tolerated"; PolyPhen-2: "Benign"; Align-GVGD: "Class C0". The glutamic acid amino acid residue is found in multiple mammalian species, which suggests that this missense change does not adversely affect protein function. In summary, the available evidence is currently insufficient to determine the role of this variant in disease. Therefore, it has been classified as a Variant of Uncertain Significance.

NM_003172.4(SURF1):c.510C>A (p.Asp170Glu)

Gene: SURF1 (SURF1 cytochrome c oxidase assembly factor; minus strand). Cytogenetic location: 9q34.2.
Variant type: single nucleotide variant.
Coding change: c.510C>A on transcript NM_003172.4 (MANE Select); coding-DNA position 510, C replaced by A.
Protein change: p.Asp170Glu; replaces aspartic acid 170 with glutamic acid.
Molecular consequence: missense variant.
Genome position (GRCh38, 1-based): chr9:133,353,754, G>T on the plus strand (C>A on the coding strand, the complement: SURF1 is on the minus strand). VCF-style: chr9-133353754-G-T. GRCh37 (hg19) VCF-style: chr9-136220609-G-T.
Other names: c.183C>A, p.Asp61Glu (NM_001280787.1); short protein forms D170E, D61E.
Identifiers: ClinVar variation 2414767 (VCV002414767.3), dbSNP rs587683200, ClinGen allele CA200832949.